The following is an entry in ClinVar:

ClinVar aggregate classification (germline): Uncertain significance. Review status: criteria provided, multiple submitters, no conflicts (2 of 4 stars). 3 submissions from 3 submitters: Uncertain significance (3). Last evaluated 2024-01-09.

Conditions:
Inborn genetic diseases. Identifiers: MedGen C0950123, MeSH D030342.
BNAR syndrome. Also called: Bifid Nose With or Without Anorectal and Renal Anomalies (BNAR) Syndrome. Identifiers: Orphanet 217266, MedGen C2750433, MONDO:0012165, OMIM 608980.
Oculotrichoanal syndrome (MOTA). Also called: MARLES SYNDROME; Manitoba Oculotrichoanal (MOTA) Syndrome. Identifiers: Orphanet 2717, MedGen C1855425, MONDO:0009560, OMIM 248450.
Trigonocephaly 2 (TRIGNO2). Identifiers: Orphanet 3366, MedGen C3280974, MONDO:0013774, OMIM 614485.

Allele frequency attached by ClinVar (database versions not stated): 1000 Genomes Project 30x 0.00031; 1000 Genomes Project 0.00020; ExAC 0.00007; ESP Exome Variant Server 0.00008; gnomAD exomes 0.00011.
gnomAD v4.1: 186 of 1,613,916 alleles (0.012%); highest among the groups gnomAD compares: Non-Finnish European, 0.014%; no homozygotes.

Submissions (3):

Fulgent Genetics
Classification: Uncertain significance for Oculotrichoanal syndrome; BNAR syndrome; Trigonocephaly 2. Last evaluated: 2024-01-09. Review status: criteria provided, single submitter. Criteria: ACMG Guidelines, 2015. Collection method: clinical testing. Allele origin: germline.

GeneDx
Classification: Uncertain significance. Last evaluated: 2023-05-16. Review status: criteria provided, single submitter. Criteria: GeneDx Variant Classification Process June 2021. Collection method: clinical testing. Allele origin: germline. Affected: yes.
Comment: In silico analysis supports that this missense variant does not alter protein structure/function; Has not been previously published as pathogenic or benign to our knowledge

Ambry Genetics
Classification: Uncertain significance for Inborn genetic diseases. Last evaluated: 2021-09-27. Review status: criteria provided, single submitter. Criteria: Ambry Variant Classification Scheme 2023. Collection method: clinical testing. Allele origin: germline.

NM_001379081.2(FREM1):c.3598G>A (p.Gly1200Arg)

Gene: FREM1 (FRAS1 related extracellular matrix 1; minus strand). Cytogenetic location: 9p22.3.
Variant type: single nucleotide variant.
Coding change: c.3598G>A on transcript NM_001379081.2 (MANE Select); coding-DNA position 3598, G replaced by A.
Protein change: p.Gly1200Arg; replaces glycine 1200 with arginine.
Molecular consequence: missense variant. On other transcripts: non-coding transcript variant (2).
Genome position (GRCh38, 1-based): chr9:14,801,748, C>T on the plus strand (G>A on the coding strand, the complement: FREM1 is on the minus strand). VCF-style: chr9-14801748-C-T. GRCh37 (hg19) VCF-style: chr9-14801746-C-T.
Other names: c.3598G>A, p.Gly1200Arg (NM_144966.7); short protein forms G1200R.
Identifiers: ClinVar variation 2219740 (VCV002219740.4), dbSNP rs372956703, ClinGen allele CA4990491.